The following is an entry in ClinVar:

ClinVar aggregate classification (germline): Uncertain significance (1 of 4 stars; one submission).

Conditions:
Neuropathy, hereditary sensory and autonomic, type 2A (HSAN2A). Also called: ACROOSTEOLYSIS, GIACCAI TYPE; ACROOSTEOLYSIS, NEUROGENIC; MORVAN DISEASE; NEUROPATHY, CONGENITAL SENSORY; NEUROPATHY, HEREDITARY SENSORY RADICULAR, AUTOSOMAL RECESSIVE; NEUROPATHY, HEREDITARY SENSORY, TYPE IIA. Identifiers: Orphanet 970, MedGen C2752089, MONDO:0024309, OMIM 201300.
Pseudohypoaldosteronism type 2C (PHA2C). Also called: Pseudohypoaldosteronism Type IIC. Identifiers: Orphanet 757, Orphanet 88940, MedGen C1840391, MONDO:0013778, OMIM 614492.

Allele frequency attached by ClinVar (database versions not stated): gnomAD exomes below 0.00001; gnomAD 0.00001; TOPMed 0.00001.
gnomAD v4.1: 4 of 1,614,032 alleles (0.00025%); highest among the groups gnomAD compares: African/African-American, 0.0013%; no homozygotes.

Submission:

Labcorp Genetics (formerly Invitae), Labcorp
Classification: Uncertain significance for Neuropathy, hereditary sensory and autonomic, type 2A; Pseudohypoaldosteronism type 2C. Last evaluated: 2024-01-24. Review status: criteria provided, single submitter. Criteria: Invitae Variant Classification Sherloc (09022015). Collection method: clinical testing. Allele origin: germline.
Comment: This sequence change replaces threonine, which is neutral and polar, with alanine, which is neutral and non-polar, at codon 1689 of the WNK1 protein (p.Thr1689Ala). This variant is present in population databases (no rsID available, gnomAD 0.01%). This variant has not been reported in the literature in individuals affected with WNK1-related conditions. ClinVar contains an entry for this variant (Variation ID: 2194784). Advanced modeling of protein sequence and biophysical properties (such as structural, functional, and spatial information, amino acid conservation, physicochemical variation, residue mobility, and thermodynamic stability) performed at Invitae indicates that this missense variant is not expected to disrupt WNK1 protein function with a negative predictive value of 95%. In summary, the available evidence is currently insufficient to determine the role of this variant in disease. Therefore, it has been classified as a Variant of Uncertain Significance.

NM_018979.4(WNK1):c.4309A>G (p.Thr1437Ala)

Gene: WNK1 (WNK lysine deficient protein kinase 1; plus strand). Cytogenetic location: 12p13.33.
Variant type: single nucleotide variant.
Coding change: c.4309A>G on transcript NM_018979.4 (MANE Select); coding-DNA position 4309, A replaced by G.
Protein change: p.Thr1437Ala; replaces threonine 1437 with alanine.
Molecular consequence: missense variant.
Genome position (GRCh38, 1-based): chr12:885,113, A>G. VCF-style: chr12-885113-A-G. GRCh37 (hg19) VCF-style: chr12-994279-A-G.
Other names: c.5089A>G, p.Thr1697Ala (NM_001184985.2); c.3568A>G, p.Thr1190Ala (NM_014823.3); c.5065A>G, p.Thr1689Ala (NM_213655.5); short protein forms T1697A, T1190A, T1437A, T1689A.
Identifiers: ClinVar variation 2194784 (VCV002194784.4), dbSNP rs1480741817, ClinGen allele CA383330975.